The following is an entry in ClinVar:

NM_005732.4(RAD50):c.3868A>T (p.Lys1290Ter)

Genes: TH2LCRR (T helper type 2 locus control region associated RNA; minus strand), RAD50 (RAD50 double strand break repair protein; plus strand). Cytogenetic location: 5q31.1.
Variant type: single nucleotide variant.
Coding change: c.3868A>T on transcript NM_005732.4 (MANE Select); coding-DNA position 3868, A replaced by T.
Protein change: p.Lys1290Ter; replaces lysine 1290 with a stop codon.
Molecular consequence: nonsense.
Genome position (GRCh38, 1-based): chr5:132,642,293, A>T. VCF-style: chr5-132642293-A-T. GRCh37 (hg19) VCF-style: chr5-131977985-A-T.
Other names: short protein forms K1290*.
Identifiers: ClinVar variation 1390183 (VCV001390183.6), dbSNP rs2149866998, ClinGen allele CA360937057.

ClinVar aggregate classification (germline): Uncertain significance (1 of 4 stars; one submission).

Conditions:
Hereditary cancer-predisposing syndrome. Also called: Neoplastic Syndromes, Hereditary; Tumor predisposition; Hereditary neoplastic syndrome; Hereditary Cancer Syndrome. Identifiers: Orphanet 140162, MedGen C0027672, MeSH D009386, MONDO:0015356.

Submission:

Labcorp Genetics (formerly Invitae), Labcorp
Classification: Uncertain significance for Hereditary cancer-predisposing syndrome. Last evaluated: 2021-10-29. Review status: criteria provided, single submitter. Criteria: Invitae Variant Classification Sherloc (09022015). Collection method: clinical testing. Allele origin: germline.
Comment: In summary, the available evidence is currently insufficient to determine the role of this variant in disease. Therefore, it has been classified as a Variant of Uncertain Significance. This variant has not been reported in the literature in individuals affected with RAD50-related conditions. This variant is not present in population databases (gnomAD no frequency). This sequence change creates a premature translational stop signal (p.Lys1290*) in the RAD50 gene. While this is not anticipated to result in nonsense mediated decay, it is expected to disrupt the last 23 amino acid(s) of the RAD50 protein.